The following is an entry in ClinVar:

ClinVar aggregate classification (germline): Uncertain significance (1 of 4 stars; one submission).

Conditions:
Combined immunodeficiency due to LRBA deficiency. Also called: Common variable immunodeficiency 8, with autoimmunity. Identifiers: Orphanet 445018, MedGen C3553512, MONDO:0013863, OMIM 614700.

Allele frequency attached by ClinVar (database versions not stated): gnomAD exomes 0.00001 and 0.00004; ExAC 0.00002; TOPMed 0.00002.
gnomAD v4.1: 15 of 1,612,704 alleles (0.00093%); highest among the groups gnomAD compares: Admixed American, 0.023%; no homozygotes.

Submission:

Labcorp Genetics (formerly Invitae), Labcorp
Classification: Uncertain significance for Combined immunodeficiency due to LRBA deficiency. Last evaluated: 2024-01-31. Review status: criteria provided, single submitter. Criteria: Invitae Variant Classification Sherloc (09022015). Collection method: clinical testing. Allele origin: germline.
Comment: This sequence change replaces aspartic acid, which is acidic and polar, with glycine, which is neutral and non-polar, at codon 2334 of the LRBA protein (p.Asp2334Gly). This variant is present in population databases (rs751277202, gnomAD 0.02%). This variant has not been reported in the literature in individuals affected with LRBA-related conditions. ClinVar contains an entry for this variant (Variation ID: 642268). Advanced modeling of protein sequence and biophysical properties (such as structural, functional, and spatial information, amino acid conservation, physicochemical variation, residue mobility, and thermodynamic stability) performed at Invitae indicates that this missense variant is expected to disrupt LRBA protein function with a positive predictive value of 80%. In summary, the available evidence is currently insufficient to determine the role of this variant in disease. Therefore, it has been classified as a Variant of Uncertain Significance.

NM_001364905.1(LRBA):c.6968A>G (p.Asp2323Gly)

Gene: LRBA (LPS responsive beige-like anchor protein; minus strand). Cytogenetic location: 4q31.3.
Variant type: single nucleotide variant.
Coding change: c.6968A>G on transcript NM_001364905.1 (MANE Select); coding-DNA position 6968, A replaced by G.
Protein change: p.Asp2323Gly; replaces aspartic acid 2323 with glycine.
Molecular consequence: missense variant.
Genome position (GRCh38, 1-based): chr4:150,435,662, T>C on the plus strand (A>G on the coding strand, the complement: LRBA is on the minus strand). VCF-style: chr4-150435662-T-C. GRCh37 (hg19) VCF-style: chr4-151356814-T-C.
Other names: c.6968A>G, p.Asp2323Gly (NM_001199282.3, NM_001367550.1); c.7001A>G, p.Asp2334Gly (NM_006726.5); short protein forms D2323G, D2334G.
Identifiers: ClinVar variation 642268 (VCV000642268.8), dbSNP rs751277202, ClinGen allele CA3101766.